The following is an entry in ClinVar:

NM_000199.5(SGSH):c.874G>A (p.Glu292Lys)

Gene: SGSH (N-sulfoglucosamine sulfohydrolase; minus strand). Cytogenetic location: 17q25.3.
Variant type: single nucleotide variant.
Coding change: c.874G>A on transcript NM_000199.5 (MANE Select); coding-DNA position 874, G replaced by A.
Protein change: p.Glu292Lys; replaces glutamic acid 292 with lysine.
Molecular consequence: missense variant. On other transcripts: non-coding transcript variant (1).
Genome position (GRCh38, 1-based): chr17:80,212,146, C>T on the plus strand (G>A on the coding strand, the complement: SGSH is on the minus strand). VCF-style: chr17-80212146-C-T. GRCh37 (hg19) VCF-style: chr17-78185945-C-T.
Other names: c.874G>A, p.Glu292Lys (NM_001352921.3, NM_001352922.2); short protein forms E292K.
Identifiers: ClinVar variation 4710437 (VCV004710437.1).

ClinVar aggregate classification (germline): Likely pathogenic (1 of 4 stars; one submission).

Conditions:
Mucopolysaccharidosis, MPS-III-A (MPS3A). Also called: HEPARAN SULFATE SULFATASE DEFICIENCY; SANFILIPPO SYNDROME A; SULFAMIDASE DEFICIENCY; MPS III A; MUCOPOLYSACCHARIDOSIS, TYPE IIIA, ATTENUATED; Mucopolysaccharidosis type IIIA (Sanfilippo A). Identifiers: Orphanet 581, Orphanet 79269, MedGen C0086647, MONDO:0009655, OMIM 252900.

gnomAD v4.1: 1 of 1,613,556 alleles (0.000062%); highest among the groups gnomAD compares: Non-Finnish European, 0.000085%; no homozygotes.

Submission:

Labcorp Genetics (formerly Invitae), Labcorp
Classification: Likely pathogenic for Mucopolysaccharidosis, MPS-III-A. Last evaluated: 2025-10-02. Review status: criteria provided, single submitter. Criteria: Invitae Variant Classification Sherloc (09022015). Collection method: clinical testing. Allele origin: germline.
Comment: This sequence change replaces glutamic acid, which is acidic and polar, with lysine, which is basic and polar, at codon 292 of the SGSH protein (p.Glu292Lys). This variant is not present in population databases (gnomAD no frequency). This missense change has been observed in individual(s) with mucopolysaccharidosis type IIIA (PMID: 19046346). Invitae Evidence Modeling of protein sequence and biophysical properties (such as structural, functional, and spatial information, amino acid conservation, physicochemical variation, residue mobility, and thermodynamic stability) indicates that this missense variant is expected to disrupt SGSH protein function with a positive predictive value of 95%. In summary, the currently available evidence indicates that the variant is pathogenic, but additional data are needed to prove that conclusively. Therefore, this variant has been classified as Likely Pathogenic.

Literature cited by the submitters: PubMed 19046346.